The following is an entry in ClinVar:

NM_182760.4(SUMF1):c.251G>C (p.Arg84Pro)

Genes: SUMF1 (sulfatase modifying factor 1; minus strand), LOC129936056 (ATAC-STARR-seq lymphoblastoid silent region 14016; plus strand). Cytogenetic location: 3p26.1.
Variant type: single nucleotide variant.
Coding change: c.251G>C on transcript NM_182760.4 (MANE Select); coding-DNA position 251, G replaced by C.
Protein change: p.Arg84Pro; replaces arginine 84 with proline.
Molecular consequence: missense variant.
Genome position (GRCh38, 1-based): chr3:4,466,995, C>G on the plus strand (G>C on the coding strand, the complement: SUMF1 is on the minus strand). VCF-style: chr3-4466995-C-G. GRCh37 (hg19) VCF-style: chr3-4508679-C-G.
Other names: c.251G>C, p.Arg84Pro (NM_001164674.2, NM_001164675.2); short protein forms R84P.
Identifiers: ClinVar variation 1343758 (VCV001343758.1), dbSNP rs762094231, ClinGen allele CA351794119.

ClinVar aggregate classification (germline): Uncertain significance (1 of 4 stars; one submission).

Submission:

Women's Health and Genetics/Laboratory Corporation of America, LabCorp
Classification: Uncertain significance. Last evaluated: 2022-02-26. Review status: criteria provided, single submitter. Criteria: LabCorp Variant Classification Summary - May 2015. Collection method: clinical testing. Allele origin: germline.
Comment: Variant summary: SUMF1 c.251G>C (p.Arg84Pro) results in a non-conservative amino acid change in the encoded protein sequence. Four of five in-silico tools predict a benign effect of the variant on protein function. The variant was absent in 220218 control chromosomes. The available data on variant occurrences in the general population are insufficient to allow any conclusion about variant significance. To our knowledge, no occurrence of c.251G>C in individuals affected with Multiple Sulfatase Deficiency and no experimental evidence demonstrating its impact on protein function have been reported. No clinical diagnostic laboratories have submitted clinical-significance assessments for this variant to ClinVar after 2014. Based on the evidence outlined above, the variant was classified as uncertain significance.